The following is an entry in ClinVar:

ClinVar aggregate classification (germline): Uncertain significance. Review status: criteria provided, multiple submitters, no conflicts (2 of 4 stars). 2 submissions from 2 submitters: Uncertain significance (2). Last evaluated 2023-11-27.

Conditions:
RASopathy. Also called: rasopathies; Noonan spectrum disorder. Identifiers: Orphanet 536391, MedGen C5555857, MONDO:0021060.

Allele frequency attached by ClinVar (database versions not stated): gnomAD exomes below 0.00001.
gnomAD v4.1: 1 of 1,613,888 alleles (0.000062%); highest among the groups gnomAD compares: Non-Finnish European, 0.000085%; no homozygotes.

Submissions (2):

GeneDx
Classification: Uncertain significance. Last evaluated: 2023-11-27. Review status: criteria provided, single submitter. Criteria: GeneDx Variant Classification Process June 2021. Collection method: clinical testing. Allele origin: germline. Affected: yes.
Comment: Not observed at significant frequency in large population cohorts (gnomAD); In silico analysis supports that this missense variant does not alter protein structure/function; Has not been previously published as pathogenic or benign to our knowledge; This variant is associated with the following publications: (PMID: 29493581)

Labcorp Genetics (formerly Invitae), Labcorp
Classification: Uncertain significance for RASopathy. Last evaluated: 2022-11-03. Review status: criteria provided, single submitter. Criteria: Invitae Variant Classification Sherloc (09022015). Collection method: clinical testing. Allele origin: germline.
Comment: In summary, the available evidence is currently insufficient to determine the role of this variant in disease. Therefore, it has been classified as a Variant of Uncertain Significance. Algorithms developed to predict the effect of missense changes on protein structure and function (SIFT, PolyPhen-2, Align-GVGD) all suggest that this variant is likely to be tolerated. This sequence change replaces serine, which is neutral and polar, with proline, which is neutral and non-polar, at codon 31 of the SHOC2 protein (p.Ser31Pro). This variant is not present in population databases (gnomAD no frequency). This variant has not been reported in the literature in individuals affected with SHOC2-related conditions.

NM_007373.4(SHOC2):c.91T>C (p.Ser31Pro)

Gene: SHOC2 (SHOC2 leucine rich repeat scaffold protein; plus strand). Cytogenetic location: 10q25.2.
Variant type: single nucleotide variant.
Coding change: c.91T>C on transcript NM_007373.4 (MANE Select); coding-DNA position 91, T replaced by C.
Protein change: p.Ser31Pro; replaces serine 31 with proline.
Molecular consequence: missense variant.
Genome position (GRCh38, 1-based): chr10:110,964,449, T>C. VCF-style: chr10-110964449-T-C. GRCh37 (hg19) VCF-style: chr10-112724207-T-C.
Other names: c.91T>C, p.Ser31Pro (NM_001269039.3, NM_001324336.2, NM_001324337.2); short protein forms S31P.
Identifiers: ClinVar variation 2811678 (VCV002811678.4), dbSNP rs951163627, ClinGen allele CA213256887.